The following is an entry in ClinVar:

NM_144687.4(NLRP12):c.1063G>A (p.Glu355Lys)

Gene: NLRP12 (NLR family pyrin domain containing 12; minus strand). Cytogenetic location: 19q13.42.
Variant type: single nucleotide variant.
Coding change: c.1063G>A on transcript NM_144687.4 (MANE Select); coding-DNA position 1063, G replaced by A.
Protein change: p.Glu355Lys; replaces glutamic acid 355 with lysine.
Molecular consequence: missense variant.
Genome position (GRCh38, 1-based): chr19:53,810,596, C>T on the plus strand (G>A on the coding strand, the complement: NLRP12 is on the minus strand). VCF-style: chr19-53810596-C-T. GRCh37 (hg19) VCF-style: chr19-54313850-C-T.
Other names: c.1063G>A, p.Glu355Lys (NM_001277126.2, NM_001277129.1); c.1063G>A (NM_144687.2); short protein forms E355K.
Identifiers: ClinVar variation 469088 (VCV000469088.17), dbSNP rs143855597, ClinGen allele CA9639529.

ClinVar aggregate classification (germline): Conflicting classifications of pathogenicity. Review status: criteria provided, conflicting classifications (1 of 4 stars). 5 submissions from 5 submitters: Uncertain significance (1); Benign (1); Likely benign (2). 1 of the submissions does not count toward it. Last evaluated 2026-02-03.

Conditions:
NLRP12-related disorder. Also called: NLRP12-related conditions; NLRP12-related condition.
Inborn genetic diseases. Identifiers: MedGen C0950123, MeSH D030342.
Familial cold autoinflammatory syndrome 2 (FCAS2). Identifiers: Orphanet 247868, MedGen C2673198, MONDO:0012724, OMIM 611762.

Allele frequency attached by ClinVar (database versions not stated): gnomAD exomes 0.00014 and 0.00034; ExAC 0.00044; 1000 Genomes Project 30x 0.00078; 1000 Genomes Project 0.00080; gnomAD 0.00147 and 0.00161; TOPMed 0.00196; ESP Exome Variant Server 0.00200.
gnomAD v4.1: 445 of 1,614,112 alleles (0.028%); highest among the groups gnomAD compares: African/African-American, 0.51%; 1 homozygote.

Submissions (5):

Labcorp Genetics (formerly Invitae), Labcorp
Classification: Benign for Familial cold autoinflammatory syndrome 2. Last evaluated: 2026-02-03. Review status: criteria provided, single submitter. Criteria: Invitae Variant Classification Sherloc (09022015). Collection method: clinical testing. Allele origin: germline.

Ambry Genetics
Classification: Uncertain significance for Inborn genetic diseases. Last evaluated: 2025-05-04. Review status: criteria provided, single submitter. Criteria: Ambry Variant Classification Scheme 2023. Collection method: clinical testing. Allele origin: germline.

ARUP Laboratories, Molecular Genetics and Genomics, ARUP Laboratories
Classification: Likely benign for Familial cold autoinflammatory syndrome 2. Last evaluated: 2024-05-07. Review status: criteria provided, single submitter. Criteria: ARUP Molecular Germline Variant Investigation Process 2024. Collection method: clinical testing. Allele origin: germline.

Blueprint Genetics
Classification: Likely benign. Last evaluated: 2023-10-30. Review status: criteria provided, single submitter. Criteria: ACMG Guidelines, 2015. Collection method: clinical testing. Allele origin: germline.

PreventionGenetics, part of Exact Sciences
Classification: Likely benign for NLRP12-related condition. Last evaluated: 2019-11-26. Review status: no assertion criteria provided. Collection method: clinical testing. Allele origin: germline. Not counted in ClinVar's aggregate classification.
Comment: This variant is classified as likely benign based on ACMG/AMP sequence variant interpretation guidelines (Richards et al. 2015 PMID: 25741868, with internal and published modifications).